The following is an entry in ClinVar:

NM_004329.3(BMPR1A):c.1422G>T (p.Val474=)

Gene: BMPR1A (bone morphogenetic protein receptor type 1A; plus strand). Cytogenetic location: 10q23.2.
Variant type: single nucleotide variant.
Coding change: c.1422G>T on transcript NM_004329.3 (MANE Select); coding-DNA position 1422, G replaced by T.
Protein change: p.Val474=; no amino-acid change (valine 474 retained).
Molecular consequence: synonymous variant.
Genome position (GRCh38, 1-based): chr10:86,923,455, G>T. VCF-style: chr10-86923455-G-T. GRCh37 (hg19) VCF-style: chr10-88683212-G-T.
Identifiers: ClinVar variation 1158542 (VCV001158542.10), dbSNP rs760220938, ClinGen allele CA470308601.
Genomic context (GRCh38, chr10:86,923,455, plus strand): 5'-ATTGCCATATTACAACATGGTACCGAGTGATCCGTCATACGAAGATATGCGTGAGGTTGT[G>T]TGTGTCAAACGTTTGCGGCCAATTGTGTCTAATCGGTGGAACAGTGATGAAGTGAGTGGA-3'
Protein context (NP_004320.2, residues 464-484): DPSYEDMREV[Val474=]CVKRLRPIVS

ClinVar aggregate classification (germline): Benign/Likely benign. Review status: criteria provided, multiple submitters, no conflicts (2 of 4 stars). 4 submissions from 4 submitters: Benign (1); Likely benign (3). Last evaluated 2025-06-03.

Conditions:
Juvenile polyposis syndrome (JPS). Identifiers: Orphanet 2929, MedGen C0345893, MONDO:0017380, OMIM 174900.
Hereditary cancer-predisposing syndrome. Also called: Neoplastic Syndromes, Hereditary; Hereditary Cancer Syndrome; Hereditary neoplastic syndrome; Tumor predisposition. Identifiers: Orphanet 140162, MedGen C0027672, MeSH D009386, MONDO:0015356.

Submissions (4):

Color Diagnostics, LLC DBA Color Health
Classification: Likely benign for Hereditary cancer-predisposing syndrome. Last evaluated: 2025-06-03. Review status: criteria provided, single submitter. Criteria: ACMG Guidelines, 2015. Collection method: clinical testing. Allele origin: germline.

Labcorp Genetics (formerly Invitae), Labcorp
Classification: Likely benign for Juvenile polyposis syndrome. Last evaluated: 2025-02-06. Review status: criteria provided, single submitter. Criteria: Invitae Variant Classification Sherloc (09022015). Collection method: clinical testing. Allele origin: germline.

Myriad Genetics, Inc.
Classification: Benign for Juvenile polyposis syndrome. Last evaluated: 2024-08-08. Review status: criteria provided, single submitter. Criteria: Myriad Autosomal Dominant, Autosomal Recessive and X-Linked Classification Criteria (2023). Collection method: clinical testing. Allele origin: unknown.
Comment: This variant is considered benign. This variant is a silent/synonymous amino acid change and it is not expected to impact splicing.

Ambry Genetics
Classification: Likely benign for Hereditary cancer-predisposing syndrome. Last evaluated: 2021-08-21. Review status: criteria provided, single submitter. Criteria: Ambry Variant Classification Scheme 2023. Collection method: clinical testing. Allele origin: germline.